The following is an entry in ClinVar:

NM_001035.3(RYR2):c.13931A>G (p.Tyr4644Cys)

Gene: RYR2 (ryanodine receptor 2; plus strand). Cytogenetic location: 1q43.
Variant type: single nucleotide variant.
Coding change: c.13931A>G on transcript NM_001035.3 (MANE Select); coding-DNA position 13931, A replaced by G.
Protein change: p.Tyr4644Cys; replaces tyrosine 4644 with cysteine.
Molecular consequence: missense variant.
Genome position (GRCh38, 1-based): chr1:237,795,306, A>G. VCF-style: chr1-237795306-A-G. GRCh37 (hg19) VCF-style: chr1-237958606-A-G.
Other names: short protein forms Y4644C.
Identifiers: ClinVar variation 3052222 (VCV003052222.2), dbSNP rs2527969400, ClinGen allele CA345418596.

ClinVar aggregate classification (germline): Uncertain significance (0 of 4 stars; one submission).

Conditions:
RYR2-related disorder. Also called: RYR2-related condition.

Submission:

PreventionGenetics, part of Exact Sciences
Classification: Uncertain significance for RYR2-related condition. Last evaluated: 2024-05-03. Review status: no assertion criteria provided. Collection method: clinical testing. Allele origin: germline.
Comment: The RYR2 c.13931A>G variant is predicted to result in the amino acid substitution p.Tyr4644Cys. This variant has been reported in an individual with sudden unexplained death (Table 3, Christiansen et al. 2016. PubMed ID: 27650965). This variant has not been reported in a large population database, indicating this variant is rare. At this time, the clinical significance of this variant is uncertain due to the absence of conclusive functional and genetic evidence.